The following is an entry in ClinVar:

NM_000478.6(ALPL):c.305A>C (p.Asn102Thr)

Gene: ALPL (alkaline phosphatase, biomineralization associated; plus strand). Cytogenetic location: 1p36.12.
Variant type: single nucleotide variant.
Coding change: c.305A>C on transcript NM_000478.6 (MANE Select); coding-DNA position 305, A replaced by C.
Protein change: p.Asn102Thr; replaces asparagine 102 with threonine.
Molecular consequence: missense variant.
Genome position (GRCh38, 1-based): chr1:21,563,117, A>C. VCF-style: chr1-21563117-A-C. GRCh37 (hg19) VCF-style: chr1-21889610-A-C.
Other names: c.140A>C, p.Asn47Thr (NM_001127501.4); c.74A>C, p.Asn25Thr (NM_001177520.3); c.305A>C, p.Asn102Thr (NM_001369803.2, NM_001369804.2, NM_001369805.2); short protein forms N25T, N47T, N102T.
Identifiers: ClinVar variation 3701231 (VCV003701231.3).

ClinVar aggregate classification (germline): Pathogenic/Likely pathogenic. Review status: criteria provided, multiple submitters, no conflicts (2 of 4 stars). 2 submissions from 2 submitters: Pathogenic (1); Likely pathogenic (1). Last evaluated 2025-08-29.

Conditions:
Hypophosphatasia. Also called: Phosphoethanol-aminuria. Identifiers: Orphanet 436, MedGen C0020630, MeSH D007014, MONDO:0018570.

gnomAD v4.1: 2 of 1,613,602 alleles (0.00012%); highest among the groups gnomAD compares: East Asian, 0.0022%; no homozygotes.

Submissions (2):

Genomenon, Inc
Classification: Likely pathogenic for Hypophosphatasia. Last evaluated: 2025-08-29. Review status: criteria provided, single submitter. Criteria: Genomenon Sequence Variant Interpretation Standards. Collection method: curation. Allele origin: germline. Affected: yes.
Comment: ALPL c.305A>C is a missense variant that changes the amino acid at residue 102 from Asparagine to Threonine. This variant has been observed in at least one proband affected with hypophosphatasia (PMID:36361766). It is absent or not present at a significant frequency in gnomAD. In silico models agree that this variant is possibly or probably damaging. In conclusion, we classify ALPL p.Asn102Thr (c.305A>C) as a likely pathogenic variant.

Labcorp Genetics (formerly Invitae), Labcorp
Classification: Pathogenic. Last evaluated: 2024-12-23. Review status: criteria provided, single submitter. Criteria: Invitae Variant Classification Sherloc (09022015). Collection method: clinical testing. Allele origin: germline.
Comment: This sequence change replaces asparagine, which is neutral and polar, with threonine, which is neutral and polar, at codon 102 of the ALPL protein (p.Asn102Thr). This variant is not present in population databases (gnomAD no frequency). This missense change has been observed in individuals with hypophosphatasia (PMID: 36361766). Invitae Evidence Modeling of protein sequence and biophysical properties (such as structural, functional, and spatial information, amino acid conservation, physicochemical variation, residue mobility, and thermodynamic stability) indicates that this missense variant is expected to disrupt ALPL protein function with a positive predictive value of 95%. This variant disrupts the p.Asn102 amino acid residue in ALPL. Other variant(s) that disrupt this residue have been determined to be pathogenic (internal data). This suggests that this residue is clinically significant, and that variants that disrupt this residue are likely to be disease-causing. For these reasons, this variant has been classified as Pathogenic.

Literature cited by the submitters: PubMed 36361766 (cited by Genomenon, Inc and Labcorp Genetics (formerly Invitae), Labcorp).